The following is an entry in ClinVar:

NM_000535.7(PMS2):c.1464G>A (p.Ala488=)

Gene: PMS2 (PMS1 homolog 2, mismatch repair system component; minus strand). Cytogenetic location: 7p22.1.
Variant type: single nucleotide variant.
Coding change: c.1464G>A on transcript NM_000535.7 (MANE Select); coding-DNA position 1464, G replaced by A.
Protein change: p.Ala488=; no amino-acid change (alanine 488 retained).
Molecular consequence: synonymous variant. On other transcripts: non-coding transcript variant (1).
Genome position (GRCh38, 1-based): chr7:5,987,301, C>T on the plus strand (G>A on the coding strand, the complement: PMS2 is on the minus strand). VCF-style: chr7-5987301-C-T. GRCh37 (hg19) VCF-style: chr7-6026932-C-T.
Other names: c.1059G>A, p.Ala353= (NM_001322003.2, NM_001322004.2, NM_001322005.2 and 1 more transcripts); c.1308G>A, p.Ala436= (NM_001322006.2); c.1146G>A, p.Ala382= (NM_001322007.2, NM_001322008.2); c.903G>A, p.Ala301= (NM_001322010.2); c.531G>A, p.Ala177= (NM_001322011.2, NM_001322012.2); c.891G>A, p.Ala297= (NM_001322013.2); c.1464G>A, p.Ala488= (NM_001322014.2); c.1155G>A, p.Ala385= (NM_001322015.2).
Identifiers: ClinVar variation 230883 (VCV000230883.21), dbSNP rs754945468, ClinGen allele CA043747.

ClinVar aggregate classification (germline): Benign/Likely benign. Review status: criteria provided, multiple submitters, no conflicts (2 of 4 stars). 6 submissions from 6 submitters: Benign (1); Likely benign (5). Last evaluated 2025-09-24.

Conditions:
Lynch syndrome. Identifiers: Orphanet 144, MedGen C4552100, MONDO:0005835. Disease mechanism: loss of function.
Lynch syndrome 4 (LYNCH4). Also called: Colorectal cancer, hereditary nonpolyposis, type 4; Hereditary non-polyposis colorectal cancer, type 4. Identifiers: Orphanet 144, MedGen C1838333, MONDO:0013699, OMIM 614337. Disease mechanism: loss of function.
Hereditary nonpolyposis colorectal neoplasms. Identifiers: MedGen C0009405, MeSH D003123.
Hereditary cancer-predisposing syndrome. Also called: Neoplastic Syndromes, Hereditary; Tumor predisposition; Hereditary Cancer Syndrome; Hereditary neoplastic syndrome. Identifiers: Orphanet 140162, MedGen C0027672, MeSH D009386, MONDO:0015356.

Allele frequency attached by ClinVar (database versions not stated): gnomAD 0.00001; gnomAD exomes 0.00001; ExAC 0.00002.
gnomAD v4.1: 11 of 1,614,026 alleles (0.00068%); highest among the groups gnomAD compares: East Asian, 0.0022%; no homozygotes.

Submissions (6):

Labcorp Genetics (formerly Invitae), Labcorp
Classification: Likely benign for Hereditary nonpolyposis colorectal neoplasms. Last evaluated: 2025-09-24. Review status: criteria provided, single submitter. Criteria: Invitae Variant Classification Sherloc (09022015). Collection method: clinical testing. Allele origin: germline.

Myriad Genetics, Inc.
Classification: Benign for Lynch syndrome 4. Last evaluated: 2025-01-30. Review status: criteria provided, single submitter. Criteria: Myriad Autosomal Dominant, Autosomal Recessive and X-Linked Classification Criteria (2023). Collection method: clinical testing. Allele origin: unknown.
Comment: This variant is considered benign. This variant is a silent/synonymous amino acid change and it is not expected to impact splicing.

All of Us Research Program, National Institutes of Health
Classification: Likely benign for Lynch syndrome. Last evaluated: 2023-10-23. Review status: criteria provided, single submitter. Criteria: ACMG Guidelines, 2015. Collection method: clinical testing. Allele origin: germline. Inheritance: Autosomal dominant inheritance. Observed: 3 variant alleles, 3 heterozygotes.
Comment: This study involves interpretation of variants in research participants for the purpose of population health screening. Participant phenotype was not available at the time of variant classification. Additional details can be found in publication PMID: 35346344, PMCID: PMC8962531

GeneDx
Classification: Likely benign. Last evaluated: 2018-12-13. Review status: criteria provided, single submitter. Criteria: GeneDx Variant Classification Process June 2021. Collection method: clinical testing. Allele origin: germline. Affected: yes.

Color Diagnostics, LLC DBA Color Health
Classification: Likely benign for Hereditary cancer-predisposing syndrome. Last evaluated: 2017-08-03. Review status: criteria provided, single submitter. Criteria: ACMG Guidelines, 2015. Collection method: clinical testing. Allele origin: germline.

Ambry Genetics
Classification: Likely benign for Hereditary cancer-predisposing syndrome. Last evaluated: 2015-03-19. Review status: criteria provided, single submitter. Criteria: Ambry Variant Classification Scheme 2023. Collection method: clinical testing. Allele origin: germline.